The following is an entry in ClinVar:

NM_001369.3(DNAH5):c.13739G>T (p.Arg4580Leu)

Gene: DNAH5 (dynein axonemal heavy chain 5; minus strand). Cytogenetic location: 5p15.2.
Variant type: single nucleotide variant.
Coding change: c.13739G>T on transcript NM_001369.3 (MANE Select); coding-DNA position 13739, G replaced by T.
Protein change: p.Arg4580Leu; replaces arginine 4580 with leucine.
Molecular consequence: missense variant.
Genome position (GRCh38, 1-based): chr5:13,692,120, C>A on the plus strand (G>T on the coding strand, the complement: DNAH5 is on the minus strand). VCF-style: chr5-13692120-C-A. GRCh37 (hg19) VCF-style: chr5-13692229-C-A.
Other names: short protein forms R4580L.
Identifiers: ClinVar variation 4747789 (VCV004747789.1).

ClinVar aggregate classification (germline): Uncertain significance (1 of 4 stars; one submission).

Conditions:
Primary ciliary dyskinesia. Also called: Ciliary dyskinesia. Identifiers: Orphanet 244, MedGen C0008780, MONDO:0016575, HP:0012265.

Submission:

Labcorp Genetics (formerly Invitae), Labcorp
Classification: Uncertain significance for Primary ciliary dyskinesia. Last evaluated: 2025-07-27. Review status: criteria provided, single submitter. Criteria: Invitae Variant Classification Sherloc (09022015). Collection method: clinical testing. Allele origin: germline.
Comment: This sequence change replaces arginine, which is basic and polar, with leucine, which is neutral and non-polar, at codon 4580 of the DNAH5 protein (p.Arg4580Leu). This variant is not present in population databases (gnomAD no frequency). This variant has not been reported in the literature in individuals affected with DNAH5-related conditions. Invitae Evidence Modeling of protein sequence and biophysical properties (such as structural, functional, and spatial information, amino acid conservation, physicochemical variation, residue mobility, and thermodynamic stability) indicates that this missense variant is not expected to disrupt DNAH5 protein function with a negative predictive value of 95%. In summary, the available evidence is currently insufficient to determine the role of this variant in disease. Therefore, it has been classified as a Variant of Uncertain Significance.